The following is an entry in ClinVar:

ClinVar aggregate classification (germline): Uncertain significance (1 of 4 stars; one submission).

Conditions:
Hereditary cancer-predisposing syndrome. Also called: Hereditary neoplastic syndrome; Tumor predisposition; Hereditary Cancer Syndrome; Neoplastic Syndromes, Hereditary. Identifiers: Orphanet 140162, MedGen C0027672, MeSH D009386, MONDO:0015356.

Submission:

Ambry Genetics
Classification: Uncertain significance for Hereditary cancer-predisposing syndrome. Last evaluated: 2023-09-07. Review status: criteria provided, single submitter. Criteria: Ambry Variant Classification Scheme 2023. Collection method: clinical testing. Allele origin: germline.
Comment: The p.A107T variant (also known as c.319G>A), located in coding exon 3 of the RB1 gene, results from a G to A substitution at nucleotide position 319. The alanine at codon 107 is replaced by threonine, an amino acid with similar properties. This amino acid position is conserved. In addition, the in silico prediction for this alteration is inconclusive. Since supporting evidence is limited at this time, the clinical significance of this alteration remains unclear.

NM_000321.3(RB1):c.319G>A (p.Ala107Thr)

Gene: RB1 (RB transcriptional corepressor 1; plus strand). Cytogenetic location: 13q14.2.
Variant type: single nucleotide variant.
Coding change: c.319G>A on transcript NM_000321.3 (MANE Select); coding-DNA position 319, G replaced by A.
Protein change: p.Ala107Thr; replaces alanine 107 with threonine.
Molecular consequence: missense variant.
Genome position (GRCh38, 1-based): chr13:48,342,653, G>A. VCF-style: chr13-48342653-G-A. GRCh37 (hg19) VCF-style: chr13-48916789-G-A.
Other names: c.319G>A, p.Ala107Thr (NM_001407165.1, NM_001407166.1); short protein forms A107T.
Identifiers: ClinVar variation 2585747 (VCV002585747.2), dbSNP rs2138083796, ClinGen allele CA388252433.